The following is an entry in ClinVar:

ClinVar aggregate classification (germline): Likely benign (1 of 4 stars; one submission).

Allele frequency attached by ClinVar (database versions not stated): gnomAD exomes 0.00047; ESP Exome Variant Server 0.00062; gnomAD 0.00062; ExAC 0.00074; 1000 Genomes Project 30x 0.00078; 1000 Genomes Project 0.00080.
gnomAD v4.1: 788 of 1,613,670 alleles (0.049%); highest among the groups gnomAD compares: Middle Eastern, 0.35%; 1 homozygote.

Submission:

CeGaT Center for Human Genetics Tuebingen
Classification: Likely benign. Last evaluated: 2026-04-01. Review status: criteria provided, single submitter. Criteria: CeGaT Center For Human Genetics Tuebingen Variant Classification Criteria Version 2. Collection method: clinical testing. Allele origin: germline. Affected: yes. Observed: 2 variant alleles.
Comment: CST1: BP4, BP7

NM_001898.3(CST1):c.39C>T (p.Ala13=)

Gene: CST1 (cystatin SN; minus strand). Cytogenetic location: 20p11.21.
Variant type: single nucleotide variant.
Coding change: c.39C>T on transcript NM_001898.3 (MANE Select); coding-DNA position 39, C replaced by T.
Protein change: p.Ala13=; no amino-acid change (alanine 13 retained).
Molecular consequence: synonymous variant.
Genome position (GRCh38, 1-based): chr20:23,750,828, G>A on the plus strand (C>T on the coding strand, the complement: CST1 is on the minus strand). VCF-style: chr20-23750828-G-A. GRCh37 (hg19) VCF-style: chr20-23731465-G-A.
Identifiers: ClinVar variation 3025369 (VCV003025369.22), dbSNP rs141813234, ClinGen allele CA9790841.